The following is an entry in ClinVar:

NM_017934.7(PHIP):c.703del (p.Tyr235fs)

Gene: PHIP (PHIP subunit of CUL4-Ring ligase complex; minus strand). Cytogenetic location: 6q14.1.
Variant type: Deletion.
Coding change: c.703del on transcript NM_017934.7 (MANE Select); coding-DNA position 703, one base deleted (T; older notation c.703delT).
Protein change: p.Tyr235fs; shifts the reading frame from tyrosine 235.
Molecular consequence: frameshift variant.
Genome position (GRCh38, 1-based): chr6:79,026,062, A deleted on the plus strand (T on the coding strand, the reverse complement: PHIP is on the minus strand). VCF-style (leftmost placement, unchanged base first): chr6-79026061-TA-T. GRCh37 (hg19) VCF-style: chr6-79735778-TA-T.
Other names: short protein forms Y235fs.
Identifiers: ClinVar variation 2571255 (VCV002571255.27), dbSNP rs2482189571, ClinGen allele CA2580617300.
Genomic context (GRCh38, chr6:79,026,061, plus strand): 5'-CGAAGACACCAGACTCGGATCATTTTATCACAACTTCCAGCTGCTATCATGGTATTCTCA[TA>T]GTTTACAGCCATGTCTGATATTTCAGCAGCATGTCCTCTTAAGGTAGCTAACAACCTCCC-3'

ClinVar aggregate classification (germline): Pathogenic (1 of 4 stars; one submission).

Submission:

CeGaT Center for Human Genetics Tuebingen
Classification: Pathogenic. Last evaluated: 2023-12-01. Review status: criteria provided, single submitter. Criteria: CeGaT Center For Human Genetics Tuebingen Variant Classification Criteria Version 2. Collection method: clinical testing. Allele origin: germline. Affected: yes. Observed: 2 variant alleles.
Comment: PHIP: PVS1, PM2